The following is an entry in ClinVar:

NM_012452.3(TNFRSF13B):c.302C>A (p.Ala101Glu)

Gene: TNFRSF13B (TNF receptor superfamily member 13B; minus strand). Cytogenetic location: 17p11.2.
Variant type: single nucleotide variant.
Coding change: c.302C>A on transcript NM_012452.3 (MANE Select); coding-DNA position 302, C replaced by A.
Protein change: p.Ala101Glu; replaces alanine 101 with glutamic acid.
Molecular consequence: missense variant.
Genome position (GRCh38, 1-based): chr17:16,948,881, G>T on the plus strand (C>A on the coding strand, the complement: TNFRSF13B is on the minus strand). VCF-style: chr17-16948881-G-T. GRCh37 (hg19) VCF-style: chr17-16852195-G-T.
Other names: short protein forms A101E.
Identifiers: ClinVar variation 5016863 (VCV005016863.1).

ClinVar aggregate classification (germline): Uncertain significance (1 of 4 stars; one submission).

gnomAD v4.1: 1 of 1,614,092 alleles (0.000062%); highest among the groups gnomAD compares: Non-Finnish European, 0.000085%; no homozygotes.

Submission:

GeneDx
Classification: Uncertain significance. Last evaluated: 2026-04-06. Review status: criteria provided, single submitter. Criteria: GeneDx Variant Classification Process June 2021. Collection method: clinical testing. Allele origin: germline.
Comment: Not observed at significant frequency in large population cohorts (gnomAD); In silico analysis indicates that this missense variant does not alter protein structure/function; Has not been previously published as pathogenic or benign to our knowledge